The following is an entry in ClinVar:

NM_000498.3(CYP11B2):c.922T>C (p.Ser308Pro)

Genes: CYP11B2 (cytochrome P450 family 11 subfamily B member 2; minus strand), LOC106799834 (CYP11B2 recombination region; plus strand). Cytogenetic location: 8q24.3.
Variant type: single nucleotide variant.
Coding change: c.922T>C on transcript NM_000498.3 (MANE Select); coding-DNA position 922, T replaced by C.
Protein change: p.Ser308Pro; replaces serine 308 with proline.
Molecular consequence: missense variant.
Genome position (GRCh38, 1-based): chr8:142,914,296, A>G on the plus strand (T>C on the coding strand, the complement: CYP11B2 is on the minus strand). VCF-style: chr8-142914296-A-G. GRCh37 (hg19) VCF-style: chr8-143995712-A-G.
Other names: short protein forms S308P.
Identifiers: ClinVar variation 1697321 (VCV001697321.7), dbSNP rs1351295710, ClinGen allele CA372388477.

ClinVar aggregate classification (germline): Pathogenic/Likely pathogenic. Review status: criteria provided, multiple submitters, no conflicts (2 of 4 stars). 6 submissions from 6 submitters: Pathogenic (1); Likely pathogenic (5). Last evaluated 2025-11-18.

Conditions:
Corticosterone methyl oxidase type II deficiency.
Corticosterone 18-monooxygenase deficiency. Also called: ALDOSTERONE DEFICIENCY DUE TO DEFECT IN STEROID 18-HYDROXYLASE; ALDOSTERONE DEFICIENCY I; CMO I DEFICIENCY; STEROID 18-HYDROXYLASE DEFICIENCY; 18 Hydroxylase deficiency; Aldosterone deficiency due to defect in 18 hydroxylase. Identifiers: Orphanet 427, MedGen C0268293, MONDO:0008751, OMIM 203400. Disease mechanism: loss of function.
Corticosterone methyloxidase type 2 deficiency. Also called: 18-OXIDASE DEFICIENCY; ALDOSTERONE DEFICIENCY DUE TO DEFICIENCY OF STEROID 18-OXIDASE; ALDOSTERONE DEFICIENCY II; CMO II DEFICIENCY; STEROID 18-OXIDASE DEFICIENCY. Identifiers: Orphanet 427, MedGen C3463917, MONDO:0012524, OMIM 610600. Disease mechanism: loss of function.
CYP11B2-related disorder.

Allele frequency attached by ClinVar (database versions not stated): gnomAD exomes below 0.00001 and 0.00001.
gnomAD v4.1: 9 of 1,614,104 alleles (0.00056%); highest among the groups gnomAD compares: South Asian, 0.0099%; no homozygotes.

Submissions (6):

Natera, Inc.
Classification: Likely pathogenic for Corticosterone methyl oxidase type II deficiency. Last evaluated: 2025-11-18. Review status: criteria provided, single submitter. Criteria: Natera Variant Classification Schema (03/2026). Collection method: clinical testing. Allele origin: germline.
Comment: The c.922T>C variant in CYP11B2 is a missense variant predicted to cause substitution of serine to proline at amino acid 308. This variant is rare in the general population with a frequency below the threshold expected for the associated phenotype(s). This variant has been observed in one or more individuals affected with the associated recessive disease, as either homozygous or compound heterozygous with a second variant (PMID: 19116236, 37332400). Functional studies show that this variant may disrupt protein function (PMID: 19116236). Given the available evidence, this variant is classified as Likely Pathogenic.

First Genomix Gene Laboratory, Genetic Diagnostics Department
Classification: Likely pathogenic for Corticosterone 18-monooxygenase deficiency; Corticosterone methyloxidase type 2 deficiency. Last evaluated: 2025-01-17. Review status: criteria provided, single submitter. Criteria: ACMG Guidelines, 2015. Collection method: clinical testing. Allele origin: germline. Inheritance: Autosomal recessive inheritance. Affected: no. Observed: 1 variant allele.

GeneDx
Classification: Pathogenic. Last evaluated: 2024-08-24. Review status: criteria provided, single submitter. Criteria: GeneDx Variant Classification Process June 2021. Collection method: clinical testing. Allele origin: germline. Affected: yes.
Comment: Published functional studies demonstrate that p.(S308P) results in loss of function (PMID: 19116236); Not observed at significant frequency in large population cohorts (gnomAD); In silico analysis supports that this missense variant has a deleterious effect on protein structure/function; Also known as c.922T>C p.(S308P); This variant is associated with the following publications: (PMID: 18178501, 19116236, 37332400)

Clinical Biochemistry Laboratory, Health Services Laboratory
Classification: Likely pathogenic for CYP11B2-related disorder. Last evaluated: 2023-11-20. Review status: criteria provided, single submitter. Criteria: ACMG Guidelines, 2015. Collection method: clinical testing. Allele origin: germline. Affected: yes.
Comment: ACMG:PS3 PM2 PP4

Labcorp Genetics (formerly Invitae), Labcorp
Classification: Likely pathogenic. Last evaluated: 2023-03-18. Review status: criteria provided, single submitter. Criteria: Invitae Variant Classification Sherloc (09022015). Collection method: clinical testing. Allele origin: germline.
Comment: This missense change has been observed in individual(s) with clnical features of aldosterone synthase deficiency (PMID: 19116236). It has also been observed to segregate with disease in related individuals. ClinVar contains an entry for this variant (Variation ID: 1697321). Advanced modeling of protein sequence and biophysical properties (such as structural, functional, and spatial information, amino acid conservation, physicochemical variation, residue mobility, and thermodynamic stability) performed at Invitae indicates that this missense variant is not expected to disrupt CYP11B2 protein function. Experimental studies have shown that this missense change affects CYP11B2 function (PMID: 19116236). In summary, the currently available evidence indicates that the variant is pathogenic, but additional data are needed to prove that conclusively. Therefore, this variant has been classified as Likely Pathogenic. This variant is present in population databases (no rsID available, gnomAD 0.003%). This sequence change replaces serine, which is neutral and polar, with proline, which is neutral and non-polar, at codon 308 of the CYP11B2 protein (p.Ser308Pro).

Institute of Human Genetics, University of Leipzig Medical Center
Classification: Likely pathogenic for Corticosterone 18-monooxygenase deficiency. Last evaluated: 2022-06-08. Review status: criteria provided, single submitter. Criteria: ACMG Guidelines, 2015. Collection method: clinical testing. Allele origin: unknown. Affected: yes.
Comment: This variant was identified as homozygous._x000D_ Criteria applied: PS3_MOD, PM3, PM1_SUP, PM2_SUP, PP4, BP4

Literature cited by the submitters: PubMed 19116236 (cited by Natera, Inc. and Labcorp Genetics (formerly Invitae), Labcorp); PubMed 37332400 (cited by Natera, Inc.).